The following is an entry in ClinVar:

ClinVar aggregate classification (germline): Uncertain significance (1 of 4 stars; one submission).

Submission:

Labcorp Genetics (formerly Invitae), Labcorp
Classification: Uncertain significance. Last evaluated: 2021-08-25. Review status: criteria provided, single submitter. Criteria: Invitae Variant Classification Sherloc (09022015). Collection method: clinical testing. Allele origin: germline.
Comment: In summary, the available evidence is currently insufficient to determine the role of this variant in disease. Therefore, it has been classified as a Variant of Uncertain Significance. Advanced modeling of protein sequence and biophysical properties (such as structural, functional, and spatial information, amino acid conservation, physicochemical variation, residue mobility, and thermodynamic stability) performed at Invitae indicates that this missense variant is expected to disrupt SI protein function. This variant has not been reported in the literature in individuals affected with SI-related conditions. This variant is not present in population databases (ExAC no frequency). This sequence change replaces glycine with cysteine at codon 319 of the SI protein (p.Gly319Cys). The glycine residue is moderately conserved and there is a large physicochemical difference between glycine and cysteine.

NM_001041.4(SI):c.955G>T (p.Gly319Cys)

Gene: SI (sucrase-isomaltase; minus strand). Cytogenetic location: 3q26.1.
Variant type: single nucleotide variant.
Coding change: c.955G>T on transcript NM_001041.4 (MANE Select); coding-DNA position 955, G replaced by T.
Protein change: p.Gly319Cys; replaces glycine 319 with cysteine.
Molecular consequence: missense variant.
Genome position (GRCh38, 1-based): chr3:165,062,436, C>A on the plus strand (G>T on the coding strand, the complement: SI is on the minus strand). VCF-style: chr3-165062436-C-A. GRCh37 (hg19) VCF-style: chr3-164780224-C-A.
Other names: short protein forms G319C.
Identifiers: ClinVar variation 1413255 (VCV001413255.6), dbSNP rs2108254029, ClinGen allele CA355031078.